The following is an entry in ClinVar:

ClinVar aggregate classification (germline): Uncertain significance. Review status: criteria provided, multiple submitters, no conflicts (2 of 4 stars). 3 submissions from 3 submitters: Uncertain significance (3). Last evaluated 2025-11-21.

Conditions:
Inborn genetic diseases. Identifiers: MedGen C0950123, MeSH D030342.
CLDN1-related disorder. Also called: CLDN1-related condition.

Allele frequency attached by ClinVar (database versions not stated): gnomAD exomes 0.00002; TOPMed 0.00003; ExAC 0.00004; gnomAD 0.00003; ESP Exome Variant Server 0.00008.
gnomAD v4.1: 42 of 1,613,748 alleles (0.0026%); highest among the groups gnomAD compares: Middle Eastern, 0.016%; no homozygotes.

Submissions (3):

PreventionGenetics, part of Exact Sciences
Classification: Uncertain significance for CLDN1-related condition. Last evaluated: 2025-11-21. Review status: criteria provided, single submitter. Criteria: ACMG Guidelines, 2015. Collection method: clinical testing. Allele origin: germline.
Comment: The CLDN1 c.433G>A variant is predicted to result in the amino acid substitution p.Val145Ile. To our knowledge, this variant has not been reported in the literature. This variant is reported in 0.0062% of alleles in individuals of European (Non-Finnish) descent in gnomAD. At this time, the clinical significance of this variant is uncertain due to the absence of conclusive functional and genetic evidence.

Mayo Clinic Laboratories, Mayo Clinic
Classification: Uncertain significance. Last evaluated: 2024-09-12. Review status: criteria provided, single submitter. Criteria: ACMG Guidelines, 2015. Collection method: clinical testing. Allele origin: germline. Observed: 1 variant allele.
Comment: PM2

Ambry Genetics
Classification: Uncertain significance for Inborn genetic diseases. Last evaluated: 2024-01-04. Review status: criteria provided, single submitter. Criteria: Ambry Variant Classification Scheme 2023. Collection method: clinical testing. Allele origin: germline.

NM_021101.5(CLDN1):c.433G>A (p.Val145Ile)

Genes: CLDN1 (claudin 1; minus strand), CLDN16 (claudin 16; plus strand). Cytogenetic location: 3q28.
Variant type: single nucleotide variant.
Coding change: c.433G>A on transcript NM_021101.5 (MANE Select); coding-DNA position 433, G replaced by A.
Protein change: p.Val145Ile; replaces valine 145 with isoleucine.
Molecular consequence: missense variant. On other transcripts: intron variant (2).
Genome position (GRCh38, 1-based): chr3:190,310,209, C>T on the plus strand (G>A on the coding strand, the complement: CLDN1 is on the minus strand). VCF-style: chr3-190310209-C-T. GRCh37 (hg19) VCF-style: chr3-190027998-C-T.
Other names: p.Val145Ile; c.-445-4684C>T (NM_001378492.1); c.-279+19618C>T (NM_001378493.1); short protein forms V145I.
Identifiers: ClinVar variation 3145454 (VCV003145454.3), dbSNP rs150983709, ClinGen allele CA2753536.